The following is an entry in ClinVar:

NM_001128840.3(CACNA1D):c.5426C>T (p.Thr1809Ile)

Gene: CACNA1D (calcium voltage-gated channel subunit alpha1 D; plus strand). Cytogenetic location: 3p21.1.
Variant type: single nucleotide variant.
Coding change: c.5426C>T on transcript NM_001128840.3 (MANE Select); coding-DNA position 5426, C replaced by T.
Protein change: p.Thr1809Ile; replaces threonine 1809 with isoleucine.
Molecular consequence: missense variant. On other transcripts: intron variant (1).
Genome position (GRCh38, 1-based): chr3:53,802,164, C>T. VCF-style: chr3-53802164-C-T. GRCh37 (hg19) VCF-style: chr3-53836191-C-T.
Other names: c.5486C>T, p.Thr1829Ile (NM_000720.4); c.5363+739C>T (NM_001128839.3); short protein forms T1809I, T1829I.
Identifiers: ClinVar variation 4716006 (VCV004716006.1).
Genomic context (GRCh38, chr3:53,802,164, plus strand): 5'-TTTATCTTCTCCCTCCTTCCCATGTTATGCCTTTCCTGGATAGAACCCGCTATTATGAAA[C>T]TTACATTAGGTATGTGCTCATTACCTGTTTTTGTGTTAAATACTGTGATGGTATGTTACC-3'
Protein context (NP_001122312.1, residues 1799-1819): SSVKRTRYYE[Thr1809Ile]YIRSDSGDEQ

ClinVar aggregate classification (germline): Uncertain significance (1 of 4 stars; one submission).

gnomAD v4.1: 3 of 1,607,842 alleles (0.00019%); highest among the groups gnomAD compares: South Asian, 0.0022%; no homozygotes.

Submission:

Labcorp Genetics (formerly Invitae), Labcorp
Classification: Uncertain significance. Last evaluated: 2025-03-26. Review status: criteria provided, single submitter. Criteria: Invitae Variant Classification Sherloc (09022015). Collection method: clinical testing. Allele origin: germline.
Comment: This sequence change replaces threonine, which is neutral and polar, with isoleucine, which is neutral and non-polar, at codon 1829 of the CACNA1D protein (p.Thr1829Ile). This variant is present in population databases (rs756794329, gnomAD 0.003%). This variant has not been reported in the literature in individuals affected with CACNA1D-related conditions. An algorithm developed to predict the effect of missense changes on protein structure and function (PolyPhen-2) suggests that this variant is likely to be tolerated. In summary, the available evidence is currently insufficient to determine the role of this variant in disease. Therefore, it has been classified as a Variant of Uncertain Significance.